The following is an entry in ClinVar:

NM_001382347.1(MYO5A):c.2770G>A (p.Gly924Ser)

Gene: MYO5A (myosin VA; minus strand). Cytogenetic location: 15q21.2.
Variant type: single nucleotide variant.
Coding change: c.2770G>A on transcript NM_001382347.1 (MANE Select); coding-DNA position 2770, G replaced by A.
Protein change: p.Gly924Ser; replaces glycine 924 with serine.
Molecular consequence: missense variant.
Genome position (GRCh38, 1-based): chr15:52,372,171, C>T on the plus strand (G>A on the coding strand, the complement: MYO5A is on the minus strand). VCF-style: chr15-52372171-C-T. GRCh37 (hg19) VCF-style: chr15-52664368-C-T.
Other names: c.2770G>A, p.Gly924Ser (NM_000259.3, NM_001142495.2, NM_001411135.1); c.2842G>A, p.Gly948Ser (NM_001382348.1, NM_001382349.1); short protein forms G924S, G948S.
Identifiers: ClinVar variation 2572184 (VCV002572184.1), dbSNP rs2543778388, ClinGen allele CA392520689.
Genomic context (GRCh38, chr15:52,372,171, plus strand): 5'-TTGTGAAACACACCTGCTCATCAACTTTGCGCTGCAGCTGCATGATCTTGTTCTCCATGC[C>T]GATGTGCAGCTTCTTATAGCGCTCCACTGAGCGAGCCTCGATTTTGAGCTTCTTTAGCTC-3'
Protein context (NP_001369276.1, residues 914-934): SVERYKKLHI[Gly924Ser]MENKIMQLQR

ClinVar aggregate classification (germline): Uncertain significance (1 of 4 stars; one submission).

Submission:

Greenwood Genetic Center Diagnostic Laboratories, Greenwood Genetic Center
Classification: Uncertain significance. Last evaluated: 2023-05-01. Review status: criteria provided, single submitter. Criteria: ACMG Guidelines, 2015. Collection method: clinical testing. Allele origin: germline. Affected: yes.
Comment: No Applicable ACMG Criteria since autosomal dominant disease connection is unclear